The following is an entry in ClinVar:

NM_021076.4(NEFH):c.2489C>T (p.Pro830Leu)

Gene: NEFH (neurofilament heavy chain; plus strand). Cytogenetic location: 22q12.2.
Variant type: single nucleotide variant.
Coding change: c.2489C>T on transcript NM_021076.4 (MANE Select); coding-DNA position 2489, C replaced by T.
Protein change: p.Pro830Leu; replaces proline 830 with leucine.
Molecular consequence: missense variant.
Genome position (GRCh38, 1-based): chr22:29,490,129, C>T. VCF-style: chr22-29490129-C-T. GRCh37 (hg19) VCF-style: chr22-29886118-C-T.
Other names: short protein forms P830L.
Identifiers: ClinVar variation 1947043 (VCV001947043.5), dbSNP rs201757428, ClinGen allele CA10174437.
Genomic context (GRCh38, chr22:29,490,129, plus strand): 5'-CTGAGAAGGAGATCCCAAAAAAGGAAGAGGTGAAGTCCCCAGTGAAGGAGGAGGAGAAGC[C>T]CCAGGAGGTGAAAGTCAAAGAGCCCCCAAAGAAGGCAGAGGAAGAGAAAGCCCCTGCCAC-3'
Protein context (NP_066554.2, residues 820-840): VKSPVKEEEK[Pro830Leu]QEVKVKEPPK

ClinVar aggregate classification (germline): Uncertain significance (1 of 4 stars; one submission).

Allele frequency attached by ClinVar (database versions not stated): gnomAD 0.00001; gnomAD exomes 0.00001; TOPMed 0.00002; ExAC 0.00003; 1000 Genomes Project 30x 0.00016; 1000 Genomes Project 0.00020.
gnomAD v4.1: 10 of 1,613,680 alleles (0.00062%); highest among the groups gnomAD compares: East Asian, 0.018%; 1 homozygote.

Submission:

Labcorp Genetics (formerly Invitae), Labcorp
Classification: Uncertain significance. Last evaluated: 2022-04-16. Review status: criteria provided, single submitter. Criteria: Invitae Variant Classification Sherloc (09022015). Collection method: clinical testing. Allele origin: germline.
Comment: In summary, the available evidence is currently insufficient to determine the role of this variant in disease. Therefore, it has been classified as a Variant of Uncertain Significance. Advanced modeling of protein sequence and biophysical properties (such as structural, functional, and spatial information, amino acid conservation, physicochemical variation, residue mobility, and thermodynamic stability) performed at Invitae indicates that this missense variant is not expected to disrupt NEFH protein function. This variant has not been reported in the literature in individuals affected with NEFH-related conditions. This variant is present in population databases (rs201757428, gnomAD 0.03%). This sequence change replaces proline, which is neutral and non-polar, with leucine, which is neutral and non-polar, at codon 830 of the NEFH protein (p.Pro830Leu).